The following is an entry in ClinVar:

NM_000179.3(MSH6):c.1899T>C (p.Thr633=)

Gene: MSH6 (mutS homolog 6; plus strand). Cytogenetic location: 2p16.3.
Variant type: single nucleotide variant.
Coding change: c.1899T>C on transcript NM_000179.3 (MANE Select); coding-DNA position 1899, T replaced by C.
Protein change: p.Thr633=; no amino-acid change (threonine 633 retained).
Molecular consequence: synonymous variant.
Genome position (GRCh38, 1-based): chr2:47,799,882, T>C. VCF-style: chr2-47799882-T-C. GRCh37 (hg19) VCF-style: chr2-48027021-T-C.
Other names: c.1509T>C, p.Thr503= (NM_001281492.2); c.993T>C, p.Thr331= (NM_001281493.2, NM_001281494.2).
Identifiers: ClinVar variation 231012 (VCV000231012.19), dbSNP rs876658900, ClinGen allele CA10578084.

ClinVar aggregate classification (germline): Benign/Likely benign. Review status: criteria provided, multiple submitters, no conflicts (2 of 4 stars). 4 submissions from 4 submitters: Benign (1); Likely benign (3). Last evaluated 2025-04-30.

Conditions:
Hereditary cancer-predisposing syndrome. Also called: Neoplastic Syndromes, Hereditary; Tumor predisposition; Hereditary Cancer Syndrome; Hereditary neoplastic syndrome. Identifiers: Orphanet 140162, MedGen C0027672, MeSH D009386, MONDO:0015356.
Hereditary nonpolyposis colorectal neoplasms. Identifiers: MedGen C0009405, MeSH D003123.
Lynch syndrome 5 (LYNCH5). Also called: Colorectal cancer, hereditary nonpolyposis, type 5; Hereditary non-polyposis colorectal cancer, type 5. Identifiers: Orphanet 144, MedGen C1833477, MONDO:0013710, OMIM 614350. Disease mechanism: loss of function.

Submissions (4):

Labcorp Genetics (formerly Invitae), Labcorp
Classification: Likely benign for Hereditary nonpolyposis colorectal neoplasms. Last evaluated: 2025-04-30. Review status: criteria provided, single submitter. Criteria: Invitae Variant Classification Sherloc (09022015). Collection method: clinical testing. Allele origin: germline.

Myriad Genetics, Inc.
Classification: Benign for Lynch syndrome 5. Last evaluated: 2024-12-30. Review status: criteria provided, single submitter. Criteria: Myriad Autosomal Dominant, Autosomal Recessive and X-Linked Classification Criteria (2023). Collection method: clinical testing. Allele origin: unknown.
Comment: This variant is considered benign. This variant is a silent/synonymous amino acid change and it is not expected to impact splicing.

Color Diagnostics, LLC DBA Color Health
Classification: Likely benign for Hereditary cancer-predisposing syndrome. Last evaluated: 2018-06-05. Review status: criteria provided, single submitter. Criteria: ACMG Guidelines, 2015. Collection method: clinical testing. Allele origin: germline.

Ambry Genetics
Classification: Likely benign for Hereditary cancer-predisposing syndrome. Last evaluated: 2015-03-26. Review status: criteria provided, single submitter. Criteria: Ambry Variant Classification Scheme 2023. Collection method: clinical testing. Allele origin: germline.